The following is an entry in ClinVar:

ClinVar aggregate classification (germline): Uncertain significance (1 of 4 stars; one submission).

Conditions:
Acyl-CoA oxidase deficiency. Also called: Peroxisomal acyl-CoA oxidase deficiency; STRAIGHT-CHAIN ACYL-CoA OXIDASE DEFICIENCY; Pseudoneonatal adrenoleukodystrophy. Identifiers: Orphanet 2971, MedGen C1849678, MONDO:0009919, OMIM 264470. Disease mechanism: loss of function.

Allele frequency attached by ClinVar (database versions not stated): gnomAD 0.00001.
gnomAD v4.1: 2 of 1,614,012 alleles (0.00012%); highest among the groups gnomAD compares: Non-Finnish European, 0.00017%; no homozygotes.

Submission:

Labcorp Genetics (formerly Invitae), Labcorp
Classification: Uncertain significance for Acyl-CoA oxidase deficiency. Last evaluated: 2023-11-15. Review status: criteria provided, single submitter. Criteria: Invitae Variant Classification Sherloc (09022015). Collection method: clinical testing. Allele origin: germline.
Comment: This sequence change replaces arginine, which is basic and polar, with tryptophan, which is neutral and slightly polar, at codon 354 of the ACOX1 protein (p.Arg354Trp). This variant is not present in population databases (gnomAD no frequency). This variant has not been reported in the literature in individuals affected with ACOX1-related conditions. Advanced modeling of protein sequence and biophysical properties (such as structural, functional, and spatial information, amino acid conservation, physicochemical variation, residue mobility, and thermodynamic stability) performed at Invitae indicates that this missense variant is not expected to disrupt ACOX1 protein function with a negative predictive value of 80%. In summary, the available evidence is currently insufficient to determine the role of this variant in disease. Therefore, it has been classified as a Variant of Uncertain Significance.

NM_004035.7(ACOX1):c.1060C>T (p.Arg354Trp)

Gene: ACOX1 (acyl-CoA oxidase 1; minus strand). Cytogenetic location: 17q25.1.
Variant type: single nucleotide variant.
Coding change: c.1060C>T on transcript NM_004035.7 (MANE Select); coding-DNA position 1060, C replaced by T.
Protein change: p.Arg354Trp; replaces arginine 354 with tryptophan.
Molecular consequence: missense variant.
Genome position (GRCh38, 1-based): chr17:75,951,462, G>A on the plus strand (C>T on the coding strand, the complement: ACOX1 is on the minus strand). VCF-style: chr17-75951462-G-A. GRCh37 (hg19) VCF-style: chr17-73947543-G-A.
Other names: c.946C>T, p.Arg316Trp (NM_001185039.2); c.1060C>T, p.Arg354Trp (NM_007292.6); short protein forms R354W, R316W.
Identifiers: ClinVar variation 2887520 (VCV002887520.1), dbSNP rs2065773210, ClinGen allele CA401063702.